The following is an entry in ClinVar:

NM_016169.4(SUFU):c.1268C>G (p.Pro423Arg)

Gene: SUFU (SUFU negative regulator of hedgehog signaling; plus strand). Cytogenetic location: 10q24.32.
Variant type: single nucleotide variant.
Coding change: c.1268C>G on transcript NM_016169.4 (MANE Select); coding-DNA position 1268, C replaced by G.
Protein change: p.Pro423Arg; replaces proline 423 with arginine.
Molecular consequence: missense variant.
Genome position (GRCh38, 1-based): chr10:102,617,400, C>G. VCF-style: chr10-102617400-C-G. GRCh37 (hg19) VCF-style: chr10-104377157-C-G.
Other names: c.1268C>G, p.Pro423Arg (NM_001178133.2); short protein forms P423R.
Identifiers: ClinVar variation 818757 (VCV000818757.10), dbSNP rs1590084270, ClinGen allele CA377916660.

ClinVar aggregate classification (germline): Uncertain significance. Review status: criteria provided, multiple submitters, no conflicts (2 of 4 stars). 2 submissions from 2 submitters: Uncertain significance (2). Last evaluated 2022-09-10.

Conditions:
Gorlin syndrome. Also called: Nevoid Basal Cell Carcinoma Syndrome; Basal cell nevus syndrome. Identifiers: Orphanet 377, MedGen C0004779, MONDO:0007187.
Medulloblastoma (MDB). Also called: Medulloblastoma, somatic; MEDULLOBLASTOMA PREDISPOSITION SYNDROME. Identifiers: Orphanet 616, MedGen C0025149, MeSH D008527, MONDO:0007959, OMIM 155255, HP:0002885.
Hereditary cancer-predisposing syndrome. Also called: Hereditary Cancer Syndrome; Neoplastic Syndromes, Hereditary; Hereditary neoplastic syndrome; Tumor predisposition. Identifiers: Orphanet 140162, MedGen C0027672, MeSH D009386, MONDO:0015356.

Submissions (2):

Labcorp Genetics (formerly Invitae), Labcorp
Classification: Uncertain significance for Gorlin syndrome; Medulloblastoma. Last evaluated: 2022-09-10. Review status: criteria provided, single submitter. Criteria: Invitae Variant Classification Sherloc (09022015). Collection method: clinical testing. Allele origin: germline.
Comment: ClinVar contains an entry for this variant (Variation ID: 818757). In summary, the available evidence is currently insufficient to determine the role of this variant in disease. Therefore, it has been classified as a Variant of Uncertain Significance. Algorithms developed to predict the effect of missense changes on protein structure and function (SIFT, PolyPhen-2, Align-GVGD) all suggest that this variant is likely to be disruptive. This variant has not been reported in the literature in individuals affected with SUFU-related conditions. This variant is not present in population databases (gnomAD no frequency). This sequence change replaces proline, which is neutral and non-polar, with arginine, which is basic and polar, at codon 423 of the SUFU protein (p.Pro423Arg).

Ambry Genetics
Classification: Uncertain significance for Hereditary cancer-predisposing syndrome. Last evaluated: 2019-06-06. Review status: criteria provided, single submitter. Criteria: Ambry Variant Classification Scheme 2023. Collection method: clinical testing. Allele origin: germline.
Comment: The p.P423R variant (also known as c.1268C>G), located in coding exon 10 of the SUFU gene, results from a C to G substitution at nucleotide position 1268. The proline at codon 423 is replaced by arginine, an amino acid with dissimilar properties. This amino acid position is highly conserved in available vertebrate species. In addition, this alteration is predicted to be deleterious by in silico analysis. Since supporting evidence is limited at this time, the clinical significance of this alteration remains unclear.